The following is an entry in ClinVar:

NM_206926.2(SELENON):c.236T>A (p.Leu79Ter)

Gene: SELENON (selenoprotein N; plus strand). Cytogenetic location: 1p36.11.
Variant type: single nucleotide variant.
Coding change: c.236T>A on transcript NM_206926.2 (MANE Select); coding-DNA position 236, T replaced by A.
Protein change: p.Leu79Ter; replaces leucine 79 with a stop codon.
Molecular consequence: nonsense.
Genome position (GRCh38, 1-based): chr1:25,801,095, T>A. VCF-style: chr1-25801095-T-A. GRCh37 (hg19) VCF-style: chr1-26127586-T-A.
Other names: c.236T>A, p.Leu79Ter (NM_020451.3); short protein forms L79*.
Identifiers: ClinVar variation 4885151 (VCV004885151.2).

ClinVar aggregate classification (germline): Likely pathogenic (1 of 4 stars; one submission).

Submission:

Dasa
Classification: Likely pathogenic. Last evaluated: 2025-04-17. Review status: criteria provided, single submitter. Criteria: DASA Assertion Criteria. Collection method: clinical testing. Allele origin: germline.
Comment: NM_020451.3(SELENON):c.236T>A (p.Leu79*) is a nonsense variant in SELENON predicted to introduce a premature termination codon and is predicted to result in an absent or altered protein product. Loss of function is an established disease mechanism for SELENON-associated disorders. Also, this variant is absent from population databases. Based on the currently available evidence, this variant is classified as likely pathogenic.